The following is an entry in ClinVar:

ClinVar aggregate classification (germline): Uncertain significance (1 of 4 stars; one submission).

Conditions:
Cardiomyopathy (CMYO). Also called: Cardiomyopathies. Identifiers: Orphanet 167848, MedGen C0878544, MONDO:0004994, HP:0001638. Inheritance: Various modes of inheritance.

Submission:

Color Diagnostics, LLC DBA Color Health
Classification: Uncertain significance for Cardiomyopathy. Last evaluated: 2018-10-29. Review status: criteria provided, single submitter. Criteria: ACMG Guidelines, 2015. Collection method: clinical testing. Allele origin: germline.
Comment: Variant of Uncertain Significance due to insufficient evidence: This variant results in a duplication of two amino acids in the cytoplasmic domain of the DSG2 protein. Computational splicing tools suggest that this variant may not impact RNA splicing. To our knowledge, functional assays have not been performed for this variant nor has this variant been reported in individuals affected with cardiovascular disorders in the literature. This variant is rare in the general population and has been identified in 0/277264 chromosomes by the Genome Aggregation Database (gnomAD). Available evidence is insufficient to determine the pathogenicity of this variant conclusively.

NM_001943.5(DSG2):c.2264_2269dup (p.Arg755_Asp756dup)

Genes: DSG2 (desmoglein 2; plus strand), DSG2-AS1 (DSG2 antisense RNA 1; minus strand). Cytogenetic location: 18q12.1.
Variant type: Duplication.
Coding change: c.2264_2269dup on transcript NM_001943.5 (MANE Select); coding-DNA positions 2264 to 2269, 6 bases duplicated (GAGACA; older notation c.2264_2269dupGAGACA).
Protein change: p.Arg755_Asp756dup.
Molecular consequence: inframe insertion.
Genome position (GRCh38, 1-based): chr18:31,542,782-31,542,787, GAGACA duplicated; duplicating any 6 consecutive bases within chr18:31,542,780-31,542,787 gives the same sequence; the c. name uses the placement nearest the transcript's 3' end. VCF-style (leftmost placement, unchanged base first): chr18-31542779-C-CCAGAGA. GRCh37 (hg19) VCF-style: chr18-29122742-C-CCAGAGA.
Identifiers: ClinVar variation 629667 (VCV000629667.2), dbSNP rs1567933186, ClinGen allele CA913188898.